The following is an entry in ClinVar:

NM_006254.4(PRKCD):c.1450G>A (p.Asp484Asn)

Gene: PRKCD (protein kinase C delta; plus strand). Cytogenetic location: 3p21.1.
Variant type: single nucleotide variant.
Coding change: c.1450G>A on transcript NM_006254.4 (MANE Select); coding-DNA position 1450, G replaced by A.
Protein change: p.Asp484Asn; replaces aspartic acid 484 with asparagine.
Molecular consequence: missense variant.
Genome position (GRCh38, 1-based): chr3:53,188,754, G>A. VCF-style: chr3-53188754-G-A. GRCh37 (hg19) VCF-style: chr3-53222770-G-A.
Other names: c.1450G>A, p.Asp484Asn (NM_001316327.2, NM_001354679.2, NM_001354680.2 and 1 more transcripts); c.1507G>A, p.Asp503Asn (NM_001354676.2); c.1498G>A, p.Asp500Asn (NM_001354678.2); short protein forms D500N, D503N, D484N.
Identifiers: ClinVar variation 859393 (VCV000859393.8), dbSNP rs1703807403, ClinGen allele CA353223137.

ClinVar aggregate classification (germline): Uncertain significance (1 of 4 stars; one submission).

Conditions:
Autoimmune lymphoproliferative syndrome, type III caused by mutation in PRKCD. Identifiers: Orphanet 3261, Orphanet 664711, MedGen C3809928, MONDO:8000024, OMIM 615559.

gnomAD v4.1: 2 of 1,614,094 alleles (0.00012%); highest among the groups gnomAD compares: African/African-American, 0.0027%; no homozygotes.

Submission:

Labcorp Genetics (formerly Invitae), Labcorp
Classification: Uncertain significance for Autoimmune lymphoproliferative syndrome, type III caused by mutation in PRKCD. Last evaluated: 2021-07-22. Review status: criteria provided, single submitter. Criteria: Invitae Variant Classification Sherloc (09022015). Collection method: clinical testing. Allele origin: germline.
Comment: This sequence change replaces aspartic acid with asparagine at codon 484 of the PRKCD protein (p.Asp484Asn). The aspartic acid residue is moderately conserved and there is a small physicochemical difference between aspartic acid and asparagine. This variant is not present in population databases (ExAC no frequency). This variant has not been reported in the literature in individuals with PRKCD-related conditions. Algorithms developed to predict the effect of missense changes on protein structure and function output the following: SIFT: "Deleterious"; PolyPhen-2: "Benign"; Align-GVGD: "Class C0". The asparagine amino acid residue is found in multiple mammalian species, suggesting that this missense change does not adversely affect protein function. These predictions have not been confirmed by published functional studies and their clinical significance is uncertain. In summary, the available evidence is currently insufficient to determine the role of this variant in disease. Therefore, it has been classified as a Variant of Uncertain Significance.